The following is an entry in ClinVar:

ClinVar aggregate classification (germline): Uncertain significance (1 of 4 stars; one submission).

Submission:

Labcorp Genetics (formerly Invitae), Labcorp
Classification: Uncertain significance. Last evaluated: 2019-04-23. Review status: criteria provided, single submitter. Criteria: Invitae Variant Classification Sherloc (09022015). Collection method: clinical testing. Allele origin: germline.
Comment: This sequence change replaces tryptophan with serine at codon 749 of the PHEX protein (p.Trp749Ser). The tryptophan residue is highly conserved and there is a large physicochemical difference between tryptophan and serine. This variant is not present in population databases (ExAC no frequency). This variant has not been reported in the literature in individuals with PHEX-related conditions. Algorithms developed to predict the effect of missense changes on protein structure and function are either unavailable or do not agree on the potential impact of this missense change (SIFT: "Deleterious"; PolyPhen-2: "Probably Damaging"; Align-GVGD: "Class C0"). This variant disrupts the p.Trp749 amino acid residue in PHEX. Other variant(s) that disrupt this residue have been determined to be pathogenic (PMID: 9768674, 29858904, Invitae). This suggests that this residue is clinically significant, and that variants that disrupt this residue are likely to be disease-causing. In summary, the available evidence is currently insufficient to determine the role of this variant in disease. Therefore, it has been classified as a Variant of Uncertain Significance.

Literature cited by the submitters: PubMed 9768674; PubMed 29858904.

NM_000444.6(PHEX):c.2246G>C (p.Trp749Ser)

Genes: PHEX (phosphate regulating endopeptidase X-linked; plus strand), PTCHD1-AS (PTCHD1 and PHEX antisense RNA; minus strand). Cytogenetic location: Xp22.11.
Variant type: single nucleotide variant.
Coding change: c.2246G>C on transcript NM_000444.6 (MANE Select); coding-DNA position 2246, G replaced by C.
Protein change: p.Trp749Ser; replaces tryptophan 749 with serine.
Molecular consequence: missense variant. On other transcripts: 3 prime UTR variant (1).
Genome position (GRCh38, 1-based): chrX:22,247,949, G>C. VCF-style: chrX-22247949-G-C. GRCh37 (hg19) VCF-style: chrX-22266066-G-C.
Other names: c.*81G>C (NM_001282754.2); short protein forms W749S.
Identifiers: ClinVar variation 846083 (VCV000846083.9), dbSNP rs1936441227, ClinGen allele CA412575568.
Genomic context (GRCh38, chrX:22,247,949, plus strand): 5'-AAGCTTTTAACTGTCCACCCAATTCCACGATGAACAGAGGCATGGACTCCTGCCGACTCT[G>C]GTAGCTGGGACGCTGGTTTATGGCATCCTGAGACAGTTGCACAGTGCCAGCGGAGGCTGC-3'
Protein context (NP_000435.3, residues 739-749): MNRGMDSCRL[Trp749Ser]